The following is an entry in ClinVar:

NM_173354.5(SIK1):c.2256_2257delinsAT (p.Ala753Ser)

Gene: SIK1 (salt inducible kinase 1; minus strand). Cytogenetic location: 21q22.3.
Variant type: Indel.
Coding change: c.2256_2257delinsAT on transcript NM_173354.5 (MANE Select); coding-DNA positions 2256 to 2257, GG replaced by AT.
Protein change: p.Ala753Ser; replaces alanine 753 with serine.
Molecular consequence: missense variant.
Genome position (GRCh38, 1-based): chr21:43,416,837-43,416,838, CC replaced by AT on the plus strand (GG replaced by AT on the coding strand, the reverse complement: SIK1 is on the minus strand). VCF-style: chr21-43416837-CC-AT. GRCh37 (hg19) VCF-style: chr21-44836717-CC-AT.
Other names: short protein forms A753S.
Identifiers: ClinVar variation 650557 (VCV000650557.9), dbSNP rs1601506211, ClinGen allele CA915952648.
Genomic context (GRCh38, chr21:43,416,837, plus strand): 5'-GCATCAGGTCCTCCATCTCACAGTCCCCCTGCAGCAGCCCCAGGGGCTCACAACCTGGGG[CC>AT]AGCCTGGCCAGGCGTGGTGGGGGCACAGCGGGGAGGGCGGTGGGGCCGGTGCCAATGTGC-3'
Protein context (NP_775490.2, residues 743-763): AVPPPRLARL[Ala753Ser]PGCEPLGLLQ

ClinVar aggregate classification (germline): Uncertain significance (1 of 4 stars; one submission).

Conditions:
Developmental and epileptic encephalopathy, 30 (DEE30). Also called: Epileptic encephalopathy, early infantile, 30. Identifiers: MedGen C4225360, MONDO:0014595, OMIM 616341.

Submission:

Labcorp Genetics (formerly Invitae), Labcorp
Classification: Uncertain significance for Developmental and epileptic encephalopathy, 30. Last evaluated: 2025-06-09. Review status: criteria provided, single submitter. Criteria: Invitae Variant Classification Sherloc (09022015). Collection method: clinical testing. Allele origin: germline.
Comment: This sequence change replaces alanine, which is neutral and non-polar, with serine, which is neutral and polar, at codon 753 of the SIK1 protein (p.Ala753Ser). Information on the frequency of this variant in the gnomAD database is not available, as this variant may be reported differently in the database. This variant has not been reported in the literature in individuals affected with SIK1-related conditions. ClinVar contains an entry for this variant (Variation ID: 650557). An algorithm developed to predict the effect of missense changes on protein structure and function outputs the following: PolyPhen-2: "Not Available". The serine amino acid residue is found in multiple mammalian species, which suggests that this missense change does not adversely affect protein function. In summary, the available evidence is currently insufficient to determine the role of this variant in disease. Therefore, it has been classified as a Variant of Uncertain Significance.